The following is an entry in ClinVar:

NM_005026.5(PIK3CD):c.1383T>G (p.Ser461Arg)

Genes: PIK3CD (phosphatidylinositol-4,5-bisphosphate 3-kinase catalytic subunit delta; plus strand), LOC126805612 (MED14-independent group 3 enhancer GRCh37_chr1:9778914-9780113; plus strand). Cytogenetic location: 1p36.22.
Variant type: single nucleotide variant.
Coding change: c.1383T>G on transcript NM_005026.5 (MANE Select); coding-DNA position 1383, T replaced by G.
Protein change: p.Ser461Arg; replaces serine 461 with arginine.
Molecular consequence: missense variant.
Genome position (GRCh38, 1-based): chr1:9,720,155, T>G. VCF-style: chr1-9720155-T-G. GRCh37 (hg19) VCF-style: chr1-9780213-T-G.
Other names: c.1383T>G, p.Ser461Arg (NM_001350234.2); c.1296T>G, p.Ser432Arg (NM_001350235.1); short protein forms S432R, S461R.
Identifiers: ClinVar variation 2704372 (VCV002704372.3), dbSNP rs1648282748, ClinGen allele CA338302753.

ClinVar aggregate classification (germline): Uncertain significance (1 of 4 stars; one submission).

Conditions:
Immunodeficiency 14 (IMD14A). Also called: p110-DELTA-ACTIVATING MUTATION CAUSING SENESCENT T CELLS, LYMPHADENOPATHY, AND IMMUNODEFICIENCY; IMMUNODEFICIENCY 14A WITH LYMPHOPROLIFERATION, AUTOSOMAL DOMINANT; ACTIVATED PI3K-DELTA SYNDROME 1; Activated PI3K Delta Syndrome Type 1 (APDS1). Identifiers: Orphanet 397596, Orphanet 693661, MedGen C5907821, MONDO:0014222, OMIM 615513.

Submission:

Labcorp Genetics (formerly Invitae), Labcorp
Classification: Uncertain significance for Activated PI3K-delta syndrome. Last evaluated: 2023-12-20. Review status: criteria provided, single submitter. Criteria: Invitae Variant Classification Sherloc (09022015). Collection method: clinical testing. Allele origin: germline.
Comment: This sequence change replaces serine, which is neutral and polar, with arginine, which is basic and polar, at codon 461 of the PIK3CD protein (p.Ser461Arg). This variant is not present in population databases (gnomAD no frequency). This variant has not been reported in the literature in individuals affected with PIK3CD-related conditions. Advanced modeling of protein sequence and biophysical properties (such as structural, functional, and spatial information, amino acid conservation, physicochemical variation, residue mobility, and thermodynamic stability) performed at Invitae indicates that this missense variant is not expected to disrupt PIK3CD protein function with a negative predictive value of 80%. In summary, the available evidence is currently insufficient to determine the role of this variant in disease. Therefore, it has been classified as a Variant of Uncertain Significance.